The following is an entry in ClinVar:

ClinVar aggregate classification (germline): Uncertain significance (1 of 4 stars; one submission).

Allele frequency attached by ClinVar (database versions not stated): gnomAD 0.00001.
gnomAD v4.1: 64 of 1,600,718 alleles (0.004%); highest among the groups gnomAD compares: Non-Finnish European, 0.0054%; no homozygotes.

Submission:

Labcorp Genetics (formerly Invitae), Labcorp
Classification: Uncertain significance. Last evaluated: 2024-05-01. Review status: criteria provided, single submitter. Criteria: Invitae Variant Classification Sherloc (09022015). Collection method: clinical testing. Allele origin: germline.
Comment: This sequence change replaces glycine, which is neutral and non-polar, with aspartic acid, which is acidic and polar, at codon 773 of the FGFR3 protein (p.Gly773Asp). This variant is present in population databases (rs773197447, gnomAD 0.007%). This variant has not been reported in the literature in individuals affected with FGFR3-related conditions. ClinVar contains an entry for this variant (Variation ID: 1680139). Advanced modeling of protein sequence and biophysical properties (such as structural, functional, and spatial information, amino acid conservation, physicochemical variation, residue mobility, and thermodynamic stability) performed at Invitae indicates that this missense variant is not expected to disrupt FGFR3 protein function with a negative predictive value of 95%. In summary, the available evidence is currently insufficient to determine the role of this variant in disease. Therefore, it has been classified as a Variant of Uncertain Significance.

NM_000142.5(FGFR3):c.2318G>A (p.Gly773Asp)

Gene: FGFR3 (fibroblast growth factor receptor 3; plus strand). Cytogenetic location: 4p16.3.
Variant type: single nucleotide variant.
Coding change: c.2318G>A on transcript NM_000142.5 (MANE Select); coding-DNA position 2318, G replaced by A.
Protein change: p.Gly773Asp; replaces glycine 773 with aspartic acid.
Molecular consequence: missense variant. On other transcripts: synonymous variant (1), non-coding transcript variant (1).
Genome position (GRCh38, 1-based): chr4:1,807,159, G>A. VCF-style: chr4-1807159-G-A. GRCh37 (hg19) VCF-style: chr4-1808886-G-A.
Other names: c.2324G>A, p.Gly775Asp (NM_001163213.2); c.2321G>A, p.Gly774Asp (NM_001354809.2); c.2250G>A, p.Gly750= (NM_001354810.2); c.1982G>A, p.Gly661Asp (NM_022965.4); short protein forms G661D, G773D, G774D, G775D.
Identifiers: ClinVar variation 1680139 (VCV001680139.8), dbSNP rs773197447, ClinGen allele CA2810838.